The following is an entry in ClinVar:

NM_020686.6(ABAT):c.1381+6G>T

Gene: ABAT (4-aminobutyrate aminotransferase; plus strand). Cytogenetic location: 16p13.2.
Variant type: single nucleotide variant.
Coding change: c.1381+6G>T on transcript NM_020686.6 (MANE Select); 6 bases into the intron after coding-DNA position 1381, G replaced by T.
Molecular consequence: intron variant.
Genome position (GRCh38, 1-based): chr16:8,779,596, G>T. VCF-style: chr16-8779596-G-T. GRCh37 (hg19) VCF-style: chr16-8873453-G-T.
Other names: c.1288+6G>T (NM_001386608.1); c.1246+6G>T (NM_001386610.1, NM_001386611.1); c.1135+6G>T (NM_001386614.1); c.1183+6G>T (NM_001386612.1, NM_001386613.1); c.1381+6G>T (NM_001386603.1, NM_001386600.1, NM_001386604.1 and 6 more transcripts); c.1318+6G>T (NM_001386606.1, NM_001386607.1); c.1477+6G>T (NM_001386615.1); c.1270-1713G>T (NM_001386609.1); and 1 more.
Identifiers: ClinVar variation 1007994 (VCV001007994.5), dbSNP rs777241102, ClinGen allele CA277475410.

ClinVar aggregate classification (germline): Uncertain significance. Review status: criteria provided, multiple submitters, no conflicts (2 of 4 stars). 2 submissions from 2 submitters: Uncertain significance (2). Last evaluated 2022-07-19.

Conditions:
Gamma-aminobutyric acid transaminase deficiency (GABATD). Also called: GABA transaminase deficiency; Gamma aminobutyrate transaminase deficiency; 4 alpha aminobutyrate transaminase deficiency; GABA aminotransaminase deficiency. Identifiers: Orphanet 2066, MedGen C0342708, MONDO:0013166, OMIM 613163.
Inborn genetic diseases. Identifiers: MedGen C0950123, MeSH D030342.

Allele frequency attached by ClinVar (database versions not stated): TOPMed 0.00002.
gnomAD v4.1: 3 of 1,611,642 alleles (0.00019%); highest among the groups gnomAD compares: African/African-American, 0.004%; no homozygotes.

Submissions (2):

Labcorp Genetics (formerly Invitae), Labcorp
Classification: Uncertain significance for Gamma-aminobutyric acid transaminase deficiency. Last evaluated: 2022-07-19. Review status: criteria provided, single submitter. Criteria: Invitae Variant Classification Sherloc (09022015). Collection method: clinical testing. Allele origin: germline.
Comment: This sequence change falls in intron 15 of the ABAT gene. It does not directly change the encoded amino acid sequence of the ABAT protein. It affects a nucleotide within the consensus splice site. This variant is not present in population databases (gnomAD no frequency). This variant has not been reported in the literature in individuals affected with ABAT-related conditions. ClinVar contains an entry for this variant (Variation ID: 1007994). Variants that disrupt the consensus splice site are a relatively common cause of aberrant splicing (PMID: 17576681, 9536098). Algorithms developed to predict the effect of sequence changes on RNA splicing suggest that this variant is not likely to affect RNA splicing. In summary, the available evidence is currently insufficient to determine the role of this variant in disease. Therefore, it has been classified as a Variant of Uncertain Significance.

Ambry Genetics
Classification: Uncertain significance for Inborn genetic diseases. Last evaluated: 2022-02-25. Review status: criteria provided, single submitter. Criteria: Ambry Variant Classification Scheme 2023. Collection method: clinical testing. Allele origin: germline.
Comment: The c.1381+6G>T intronic alteration consists of a G to T substitution 6 nucleotides after exon 15 (coding exon 14) of the ABAT gene. Based on insufficient or conflicting evidence, the clinical significance of this alteration remains unclear.

Literature cited by the submitters: PubMed 17576681 (cited by Labcorp Genetics (formerly Invitae), Labcorp); PubMed 9536098 (cited by Labcorp Genetics (formerly Invitae), Labcorp).